The following is an entry in ClinVar:

ClinVar aggregate classification (germline): Uncertain significance (1 of 4 stars; one submission).

Conditions:
Autosomal dominant childhood-onset proximal spinal muscular atrophy with contractures (SMALED2A). Also called: Spinal muscular atrophy, lower extremity-predominant, 2A, autosomal dominant; SPINAL MUSCULAR ATROPHY, LOWER EXTREMITY-PREDOMINANT, 2A, CHILDHOOD ONSET, AUTOSOMAL DOMINANT. Identifiers: Orphanet 363447, Orphanet 363454, MedGen C4747715, MONDO:0014121, OMIM 615290.

Allele frequency attached by ClinVar (database versions not stated): gnomAD exomes below 0.00001; gnomAD 0.00001 and 0.00003.
gnomAD v4.1: 7 of 1,613,306 alleles (0.00043%); highest among the groups gnomAD compares: Middle Eastern, 0.066%; 1 homozygote.

Submission:

Labcorp Genetics (formerly Invitae), Labcorp
Classification: Uncertain significance for Autosomal dominant childhood-onset proximal spinal muscular atrophy with contractures. Last evaluated: 2024-03-11. Review status: criteria provided, single submitter. Criteria: Invitae Variant Classification Sherloc (09022015). Collection method: clinical testing. Allele origin: germline.
Comment: This sequence change replaces serine, which is neutral and polar, with asparagine, which is neutral and polar, at codon 823 of the BICD2 protein (p.Ser823Asn). This variant is not present in population databases (gnomAD no frequency). This variant has not been reported in the literature in individuals affected with BICD2-related conditions. ClinVar contains an entry for this variant (Variation ID: 1036802). Advanced modeling of protein sequence and biophysical properties (such as structural, functional, and spatial information, amino acid conservation, physicochemical variation, residue mobility, and thermodynamic stability) performed at Invitae indicates that this missense variant is not expected to disrupt BICD2 protein function with a negative predictive value of 95%. In summary, the available evidence is currently insufficient to determine the role of this variant in disease. Therefore, it has been classified as a Variant of Uncertain Significance.

NM_001003800.2(BICD2):c.2468G>A (p.Ser823Asn)

Gene: BICD2 (BICD cargo adaptor 2; minus strand). Cytogenetic location: 9q22.31.
Variant type: single nucleotide variant.
Coding change: c.2468G>A on transcript NM_001003800.2 (MANE Select); coding-DNA position 2468, G replaced by A.
Protein change: p.Ser823Asn; replaces serine 823 with asparagine.
Molecular consequence: missense variant.
Genome position (GRCh38, 1-based): chr9:92,715,254, C>T on the plus strand (G>A on the coding strand, the complement: BICD2 is on the minus strand). VCF-style: chr9-92715254-C-T. GRCh37 (hg19) VCF-style: chr9-95477536-C-T.
Other names: c.2468G>A, p.Ser823Asn (NM_015250.4); short protein forms S823N.
Identifiers: ClinVar variation 1036802 (VCV001036802.9), dbSNP rs1853279588, ClinGen allele CA374029641.
Genomic context (GRCh38, chr9:92,715,254, plus strand): 5'-TGGTTGGCCAGCCCGGTGCCCTCGGCCCTGTCGCTGGCACAGGCACAGGTGTGACTTACG[C>T]TCGGTGTGGCTGGCTTGGTCTTCGGGGCGGCTTTGGCACGGCCACGCCGGGTCTGCTCAT-3'
Protein context (NP_001003800.1, residues 813-833): AAPKTKPATP[Ser823Asn]VSHTCACASD